The following is an entry in ClinVar:

NM_001399.5(EDA):c.1070G>C (p.Arg357Pro)

Gene: EDA (ectodysplasin A; plus strand). Cytogenetic location: Xq13.1.
Variant type: single nucleotide variant.
Coding change: c.1070G>C on transcript NM_001399.5 (MANE Select); coding-DNA position 1070, G replaced by C.
Protein change: p.Arg357Pro; replaces arginine 357 with proline.
Molecular consequence: missense variant.
Genome position (GRCh38, 1-based): chrX:70,035,503, G>C. VCF-style: chrX-70035503-G-C. GRCh37 (hg19) VCF-style: chrX-69255353-G-C.
Other names: c.1064G>C, p.Arg355Pro (NM_001005609.2); c.1055G>C, p.Arg352Pro (NM_001005612.3); short protein forms R357P, R352P, R355P.
Identifiers: ClinVar variation 44183 (VCV000044183.4), dbSNP rs61747506, ClinGen allele CA133738.
Genomic context (GRCh38, chrX:70,035,503, plus strand): 5'-AGACGGGCAAGACCAACTACAACACTTGCTATACCGCAGGCGTCTGCCTCCTCAAGGCCC[G>C]GCAGAAGATCGCCGTCAAGATGGTGCACGCTGACATCTCCATCAACATGAGCAAGCACAC-3'
Protein context (NP_001390.1, residues 347-367): YTAGVCLLKA[Arg357Pro]QKIAVKMVHA

ClinVar aggregate classification (germline): Uncertain significance (1 of 4 stars; one submission).

Submission:

Laboratory for Molecular Medicine, Mass General Brigham Personalized Medicine
Classification: Uncertain significance. Last evaluated: 2011-07-26. Review status: criteria provided, single submitter. Criteria: LMM Criteria. Collection method: clinical testing. Allele origin: germline. Inheritance: X-linked inheritance. Observed: 1 variant allele.
Comment: Variant classified as Uncertain Significance - Favor Pathogenic. The Arg357Pro v ariant in EDA has been identified in one individual with X-linked hypohidrotic e ctodermal dysplasia and was absent from 60 control chromosomes (Monreal 1998). I n addition, modeling of the structure of the EDA protein shows that this variant clusters on the surface of the protein with several other variants and could af fect binding sites or folding of the protein (Hymowitz, 2003). In su mmary, the clinical significance cannot be determined with certainty at this tim e; however, we would lean towards a more likely pathogenic effect.

Literature cited by the submitters: PubMed 9683615; PubMed 14656435.